The following is an entry in ClinVar:

ClinVar aggregate classification (germline): Uncertain significance. Review status: criteria provided, multiple submitters, no conflicts (2 of 4 stars). 3 submissions from 3 submitters: Uncertain significance (3). Last evaluated 2025-04-11.

Conditions:
CC2D2A-related disorder. Also called: CC2D2A-related disorders; CC2D2A-related condition. Identifiers: MedGen CN239313.
Meckel-Gruber syndrome. Also called: Dysencephalia splachnocystica; DYSENCEPHALIA SPLANCHNOCYSTICA; GRUBER SYNDROME. Identifiers: Orphanet 564, MedGen C0265215, MONDO:0018921.
Joubert syndrome. Also called: Familial aplasia of the vermis; JOUBERT-BOLTSHAUSER SYNDROME. Identifiers: Orphanet 475, MedGen C5979921, MONDO:0018772.

Allele frequency attached by ClinVar (database versions not stated): gnomAD exomes below 0.00001; TOPMed below 0.00001.
gnomAD v4.1: 3 of 1,612,590 alleles (0.00019%); highest among the groups gnomAD compares: Non-Finnish European, 0.00025%; no homozygotes.

Submissions (3):

PreventionGenetics, part of Exact Sciences
Classification: Uncertain significance for CC2D2A-related condition. Last evaluated: 2025-04-11. Review status: criteria provided, single submitter. Criteria: ACMG Guidelines, 2015. Collection method: clinical testing. Allele origin: germline.
Comment: The CC2D2A c.4690C>T variant is predicted to result in the amino acid substitution p.Leu1564Phe. To our knowledge, this variant has not been reported in the literature. This variant is reported in 0.00089% of alleles in individuals of European (Non-Finnish) descent in gnomAD. At this time, the clinical significance of this variant is uncertain due to the absence of conclusive functional and genetic evidence.

Blueprint Genetics
Classification: Uncertain significance. Last evaluated: 2022-08-25. Review status: criteria provided, single submitter. Criteria: ACMG Guidelines, 2015. Collection method: clinical testing. Allele origin: germline.

Labcorp Genetics (formerly Invitae), Labcorp
Classification: Uncertain significance for Joubert syndrome; Meckel-Gruber syndrome. Last evaluated: 2022-03-19. Review status: criteria provided, single submitter. Criteria: Invitae Variant Classification Sherloc (09022015). Collection method: clinical testing. Allele origin: germline.
Comment: Advanced modeling of protein sequence and biophysical properties (such as structural, functional, and spatial information, amino acid conservation, physicochemical variation, residue mobility, and thermodynamic stability) performed at Invitae indicates that this missense variant is expected to disrupt CC2D2A protein function. ClinVar contains an entry for this variant (Variation ID: 960399). This variant has not been reported in the literature in individuals affected with CC2D2A-related conditions. The frequency data for this variant in the population databases is considered unreliable, as metrics indicate poor data quality at this position in the gnomAD database. This sequence change replaces leucine, which is neutral and non-polar, with phenylalanine, which is neutral and non-polar, at codon 1564 of the CC2D2A protein (p.Leu1564Phe). In summary, the available evidence is currently insufficient to determine the role of this variant in disease. Therefore, it has been classified as a Variant of Uncertain Significance.

NM_001378615.1(CC2D2A):c.4690C>T (p.Leu1564Phe)

Genes: FBXL5 (F-box and leucine rich repeat protein 5; minus strand), CC2D2A (coiled-coil and C2 domain containing 2A; plus strand). Cytogenetic location: 4p15.32.
Variant type: single nucleotide variant.
Coding change: c.4690C>T on transcript NM_001378615.1 (MANE Select); coding-DNA position 4690, C replaced by T.
Protein change: p.Leu1564Phe; replaces leucine 1564 with phenylalanine.
Molecular consequence: missense variant.
Genome position (GRCh38, 1-based): chr4:15,601,252, C>T. VCF-style: chr4-15601252-C-T. GRCh37 (hg19) VCF-style: chr4-15602875-C-T.
Other names: c.4690C>T, p.Leu1564Phe (NM_001080522.2); c.4543C>T, p.Leu1515Phe (NM_001378617.1); short protein forms L1564F, L1515F.
Identifiers: ClinVar variation 960399 (VCV000960399.12), dbSNP rs1441082551, ClinGen allele CA356435992.
Genomic context (GRCh38, chr4:15,601,252, plus strand): 5'-AATCTTCAAACTTCACTAATGACTACAAATGTTTTTTCCCTTCAGTTCTCTGGATTTCCT[C>T]TTCACATGCCTTATTCTGAAGTGAAGCCTTTAATTGACGCTGTGTATAGTACTGGAGTAC-3'
Protein context (NP_001365544.1, residues 1554-1574): LGDYRFSGFP[Leu1564Phe]HMPYSEVKPL